The following is an entry in ClinVar:

ClinVar aggregate classification (germline): Uncertain significance (1 of 4 stars; one submission).

Conditions:
Oculodentodigital dysplasia, autosomal recessive. Also called: OCULODENTOOSSEOUS DYSPLASIA, AUTOSOMAL RECESSIVE; ODDD, AUTOSOMAL RECESSIVE; ODOD, AUTOSOMAL RECESSIVE. Identifiers: Orphanet 2710, MedGen C2749477, MONDO:0009768, OMIM 257850.

Submission:

Labcorp Genetics (formerly Invitae), Labcorp
Classification: Uncertain significance for Oculodentodigital dysplasia, autosomal recessive. Last evaluated: 2022-06-20. Review status: criteria provided, single submitter. Criteria: Invitae Variant Classification Sherloc (09022015). Collection method: clinical testing. Allele origin: germline.
Comment: In summary, the available evidence is currently insufficient to determine the role of this variant in disease. Therefore, it has been classified as a Variant of Uncertain Significance. Experimental studies and prediction algorithms are not available or were not evaluated, and the functional significance of this variant is currently unknown. This variant has not been reported in the literature in individuals affected with GJA1-related conditions. A copy number gain of the genomic region encompassing the full coding sequence of the GJA1 gene has been identified. The boundaries of this event are unknown as they extend beyond the assayed region for this gene and therefore may encompass additional genes. As the precise location of this event is unknown, it may be in tandem or it may be located elsewhere in the genome.

NC_000006.11:g.(?_121767974)_(121769162_?)dup

Gene: GJA1 (gap junction protein alpha 1; plus strand). Cytogenetic location: 6q22.31.
Variant type: Duplication.
Identifiers: ClinVar variation 1063984 (VCV001063984.6).